The following is an entry in ClinVar:

NM_000215.4(JAK3):c.2030C>G (p.Ala677Gly)

Gene: JAK3 (Janus kinase 3; minus strand). Cytogenetic location: 19p13.11.
Variant type: single nucleotide variant.
Coding change: c.2030C>G on transcript NM_000215.4 (MANE Select); coding-DNA position 2030, C replaced by G.
Protein change: p.Ala677Gly; replaces alanine 677 with glycine.
Molecular consequence: missense variant.
Genome position (GRCh38, 1-based): chr19:17,835,100, G>C on the plus strand (C>G on the coding strand, the complement: JAK3 is on the minus strand). VCF-style: chr19-17835100-G-C. GRCh37 (hg19) VCF-style: chr19-17945909-G-C.
Other names: short protein forms A677G.
Identifiers: ClinVar variation 2115631 (VCV002115631.4), dbSNP rs2514554805, ClinGen allele CA404768139.

ClinVar aggregate classification (germline): Uncertain significance (1 of 4 stars; one submission).

Conditions:
T-B+ severe combined immunodeficiency due to JAK3 deficiency. Also called: SCID, T CELL-NEGATIVE, B CELL-POSITIVE, NK CELL-NEGATIVE; SCID, autosomal recessive, T-negative/B-positive type. Identifiers: Orphanet 35078, MedGen C1833275, MONDO:0010938, OMIM 600802.

Submission:

Labcorp Genetics (formerly Invitae), Labcorp
Classification: Uncertain significance for T-B+ severe combined immunodeficiency due to JAK3 deficiency. Last evaluated: 2024-10-29. Review status: criteria provided, single submitter. Criteria: Invitae Variant Classification Sherloc (09022015). Collection method: clinical testing. Allele origin: germline.
Comment: This sequence change replaces alanine, which is neutral and non-polar, with glycine, which is neutral and non-polar, at codon 677 of the JAK3 protein (p.Ala677Gly). This variant is not present in population databases (gnomAD no frequency). This variant has not been reported in the literature in individuals affected with JAK3-related conditions. ClinVar contains an entry for this variant (Variation ID: 2115631). Invitae Evidence Modeling of protein sequence and biophysical properties (such as structural, functional, and spatial information, amino acid conservation, physicochemical variation, residue mobility, and thermodynamic stability) has been performed for this missense variant. However, the output from this modeling did not meet the statistical confidence thresholds required to predict the impact of this variant on JAK3 protein function. In summary, the available evidence is currently insufficient to determine the role of this variant in disease. Therefore, it has been classified as a Variant of Uncertain Significance.